The following is an entry in ClinVar:

NM_000404.4(GLB1):c.1234-1G>T

Gene: GLB1 (galactosidase beta 1; minus strand). Cytogenetic location: 3p22.3.
Variant type: single nucleotide variant.
Coding change: c.1234-1G>T on transcript NM_000404.4 (MANE Select); the canonical splice acceptor site of the intron before coding-DNA position 1234, G replaced by T.
Molecular consequence: splice acceptor variant.
Genome position (GRCh38, 1-based): chr3:33,018,562, C>A on the plus strand (G>T on the coding strand, the complement: GLB1 is on the minus strand). VCF-style: chr3-33018562-C-A. GRCh37 (hg19) VCF-style: chr3-33060054-C-A.
Other names: c.1378-1G>T (NM_001317040.2); c.1144-1G>T (NM_001079811.3); c.1234-1G>T (NM_001393580.1); c.841-1G>T (NM_001135602.3).
Identifiers: ClinVar variation 2934239 (VCV002934239.3), dbSNP rs778340733, ClinGen allele CA2299446.

ClinVar aggregate classification (germline): Likely pathogenic (1 of 4 stars; one submission).

Conditions:
Mucopolysaccharidosis, MPS-IV-B (MPS4B). Also called: Mucopolysaccharidosis type 4B; Mucopolysaccharidosis type IVB (Morquio); MPS IVB; MORQUIO SYNDROME B; Mucopolysaccharidosis type IV B; Mucopolysaccharidosis Type IVB. Identifiers: Orphanet 309310, Orphanet 582, MedGen C0086652, MONDO:0009660, OMIM 253010.
GM1 gangliosidosis. Identifiers: Orphanet 354, MedGen C0085131, MONDO:0018149.

Allele frequency attached by ClinVar (database versions not stated): ExAC 0.00001.
gnomAD v4.1: 11 of 1,613,988 alleles (0.00068%); highest among the groups gnomAD compares: Non-Finnish European, 0.00093%; no homozygotes.

Submission:

Labcorp Genetics (formerly Invitae), Labcorp
Classification: Likely pathogenic for Mucopolysaccharidosis, MPS-IV-B; GM1 gangliosidosis. Last evaluated: 2023-03-14. Review status: criteria provided, single submitter. Criteria: Invitae Variant Classification Sherloc (09022015). Collection method: clinical testing. Allele origin: germline.
Comment: This sequence change affects an acceptor splice site in intron 12 of the GLB1 gene. It is expected to disrupt RNA splicing. Variants that disrupt the donor or acceptor splice site typically lead to a loss of protein function (PMID: 16199547), and loss-of-function variants in GLB1 are known to be pathogenic (PMID: 18524657). This variant is present in population databases (rs778340733, gnomAD 0.0009%). This variant has not been reported in the literature in individuals affected with GLB1-related conditions. Algorithms developed to predict the effect of sequence changes on RNA splicing suggest that this variant may disrupt the consensus splice site. In summary, the currently available evidence indicates that the variant is pathogenic, but additional data are needed to prove that conclusively. Therefore, this variant has been classified as Likely Pathogenic.

Literature cited by the submitters: PubMed 16199547; PubMed 18524657.